The following is an entry in ClinVar:

ClinVar aggregate classification (germline): Pathogenic (1 of 4 stars; one submission).

Conditions:
Microcephaly, normal intelligence and immunodeficiency (NBS). Also called: Immunodeficiency, microcephaly with normal intelligence; Ataxia telangiectasia variant V1; BERLIN BREAKAGE SYNDROME; Nijmegen breakage syndrome; Microcephaly with normal intelligence immunodeficiency and lymphoreticular malignancies; Nonsyndromal microcephaly autosomal recessive with normal intelligence. Identifiers: Orphanet 647, MedGen C0398791, MONDO:0009623, OMIM 251260.

Submission:

Labcorp Genetics (formerly Invitae), Labcorp
Classification: Pathogenic for Microcephaly, normal intelligence and immunodeficiency. Last evaluated: 2022-01-26. Review status: criteria provided, single submitter. Criteria: Invitae Variant Classification Sherloc (09022015). Collection method: clinical testing. Allele origin: germline.
Comment: For these reasons, this variant has been classified as Pathogenic. This variant has not been reported in the literature in individuals affected with NBN-related conditions. This variant is not present in population databases (gnomAD no frequency). This sequence change creates a premature translational stop signal (p.Thr60Metfs*6) in the NBN gene. It is expected to result in an absent or disrupted protein product. Loss-of-function variants in NBN are known to be pathogenic (PMID: 9590180, 16415040).

Literature cited by the submitters: PubMed 9590180; PubMed 16415040.

NM_002485.5(NBN):c.177_180del (p.Thr60fs)

Gene: NBN (nibrin; minus strand). Cytogenetic location: 8q21.3.
Variant type: Deletion.
Coding change: c.177_180del on transcript NM_002485.5 (MANE Select); coding-DNA positions 177 to 180, 4 bases deleted (AACA; older notation c.177_180delAACA).
Protein change: p.Thr60fs; shifts the reading frame from threonine 60.
Molecular consequence: frameshift variant. On other transcripts: 5 prime UTR variant (1).
Genome position (GRCh38, 1-based): chr8:89,981,515-89,981,518, TGTT deleted on the plus strand (AACA on the coding strand, the reverse complement: NBN is on the minus strand); deleting any 4 consecutive bases within chr8:89,981,515-89,981,520 gives the same sequence; the c. name uses the placement nearest the transcript's 3' end. VCF-style (leftmost placement, unchanged base first): chr8-89981514-CTGTT-C. GRCh37 (hg19) VCF-style: chr8-90993742-CTGTT-C.
Other names: c.-70_-67del (NM_001024688.3); short protein forms T60fs.
Identifiers: ClinVar variation 2089514 (VCV002089514.4), dbSNP rs2488361684, ClinGen allele CA2580079232.